The following is an entry in ClinVar:

NM_020911.2(PLXNA4):c.522C>T (p.Val174=)

Gene: PLXNA4 (plexin A4; minus strand). Cytogenetic location: 7q32.3.
Variant type: single nucleotide variant.
Coding change: c.522C>T on transcript NM_020911.2 (MANE Select); coding-DNA position 522, C replaced by T.
Protein change: p.Val174=; no amino-acid change (valine 174 retained).
Molecular consequence: synonymous variant.
Genome position (GRCh38, 1-based): chr7:132,508,172, G>A on the plus strand (C>T on the coding strand, the complement: PLXNA4 is on the minus strand). VCF-style: chr7-132508172-G-A. GRCh37 (hg19) VCF-style: chr7-132192931-G-A.
Other names: c.522C>T, p.Val174= (NM_001105543.2, NM_001393897.1, NM_181775.4).
Identifiers: ClinVar variation 3350747 (VCV003350747.1).

ClinVar aggregate classification (germline): Likely benign (0 of 4 stars; one submission).

Conditions:
PLXNA4-related disorder. Also called: PLXNA4-related condition.

gnomAD v4.1: 20 of 1,614,030 alleles (0.0012%); highest among the groups gnomAD compares: Non-Finnish European, 0.0016%; no homozygotes.

Submission:

PreventionGenetics, part of Exact Sciences
Classification: Likely benign for PLXNA4-related condition. Last evaluated: 2022-12-09. Review status: no assertion criteria provided. Collection method: clinical testing. Allele origin: germline.
Comment: This variant is classified as likely benign based on ACMG/AMP sequence variant interpretation guidelines (Richards et al. 2015 PMID: 25741868, with internal and published modifications).